The following is an entry in ClinVar:

ClinVar aggregate classification (germline): Likely pathogenic (1 of 4 stars; one submission).

Conditions:
Mendelian susceptibility to mycobacterial diseases due to partial STAT1 deficiency. Also called: IMMUNODEFICIENCY 31A, MYCOBACTERIOSIS, AUTOSOMAL DOMINANT; STAT1 DEFICIENCY, AUTOSOMAL DOMINANT; Immunodeficiency 31a. Identifiers: Orphanet 319595, MedGen C4013950, MONDO:0013956, OMIM 614892.

Submission:

3billion
Classification: Likely pathogenic for Mendelian susceptibility to mycobacterial diseases due to partial STAT1 deficiency. Last evaluated: 2024-03-26. Review status: criteria provided, single submitter. Criteria: ACMG Guidelines, 2015. Collection method: clinical testing. Allele origin: germline. Affected: yes.
Comment: The variant is not observed in the gnomAD v4.0.0 dataset. Predicted Consequence/Location: Missense changes are a common disease-causing mechanism. In silico tool predictions suggest damaging effect of the variant on gene or gene product [REVEL: 0.93 (>=0.6, sensitivity 0.68 and specificity 0.92); 3Cnet: 0.95 (>=0.6, sensitivity 0.72 and precision 0.9)]. Different missense changes at the same codon (p.Leu400Gln, p.Leu400Val) have been reported to be associated with STAT1 related disorder (ClinVar ID: VCV002203236 /PMID: 26732859, 26743090). Therefore, this variant is classified as Likely pathogenic according to the recommendation of ACMG/AMP guideline.

Literature cited by the submitters: PubMed 26732859.

NM_007315.4(STAT1):c.1199T>C (p.Leu400Pro)

Gene: STAT1 (signal transducer and activator of transcription 1; minus strand). Cytogenetic location: 2q32.2.
Variant type: single nucleotide variant.
Coding change: c.1199T>C on transcript NM_007315.4 (MANE Select); coding-DNA position 1199, T replaced by C.
Protein change: p.Leu400Pro; replaces leucine 400 with proline.
Molecular consequence: missense variant.
Genome position (GRCh38, 1-based): chr2:190,986,876, A>G on the plus strand (T>C on the coding strand, the complement: STAT1 is on the minus strand). VCF-style: chr2-190986876-A-G. GRCh37 (hg19) VCF-style: chr2-191851602-A-G.
Other names: c.1139T>C, p.Leu380Pro (NM_001384880.1); c.1205T>C, p.Leu402Pro (NM_001384881.1, NM_001384884.1); c.1193T>C, p.Leu398Pro (NM_001384882.1); c.1100T>C, p.Leu367Pro (NM_001384883.1); c.1040T>C, p.Leu347Pro (NM_001384885.1); c.1199T>C, p.Leu400Pro (NM_001384886.1, NM_001384889.1, NM_139266.3); c.1106T>C, p.Leu369Pro (NM_001384887.1); c.1169T>C, p.Leu390Pro (NM_001384888.1); and 2 more; short protein forms L347P, L367P, L369P, L370P, L380P, L390P, L398P, L400P.
Identifiers: ClinVar variation 3776300 (VCV003776300.1).